The following is an entry in ClinVar:

NM_139058.3(ARX):c.665G>C (p.Gly222Ala)

Gene: ARX (aristaless related homeobox; minus strand). Cytogenetic location: Xp21.3.
Variant type: single nucleotide variant.
Coding change: c.665G>C on transcript NM_139058.3 (MANE Select); coding-DNA position 665, G replaced by C.
Protein change: p.Gly222Ala; replaces glycine 222 with alanine.
Molecular consequence: missense variant.
Genome position (GRCh38, 1-based): chrX:25,013,330, C>G on the plus strand (G>C on the coding strand, the complement: ARX is on the minus strand). VCF-style: chrX-25013330-C-G. GRCh37 (hg19) VCF-style: chrX-25031447-C-G.
Other names: short protein forms G222A.
Identifiers: ClinVar variation 3753785 (VCV003753785.2).

ClinVar aggregate classification (germline): Uncertain significance (1 of 4 stars; one submission).

Conditions:
Developmental and epileptic encephalopathy, 1 (DEE1). Also called: INFANTILE SPASM SYNDROME, X-LINKED 1; X-linked infantile spasms; West's syndrome; Tonic spasms with clustering, arrest of psychomotor development and hypsarrhythmia on EEG; X-Linked Infantile Spasm Syndrome; OHTAHARA SYNDROME, X-LINKED. Identifiers: MedGen C3463992, MONDO:0010632, OMIM 308350. Disease mechanism: loss of function.
Intellectual disability, X-linked, with or without seizures, ARX-related. Also called: MENTAL RETARDATION, X-LINKED 29; MENTAL RETARDATION, X-LINKED 32; MENTAL RETARDATION, X-LINKED 33; MENTAL RETARDATION, X-LINKED 38; MENTAL RETARDATION, X-LINKED 43; MENTAL RETARDATION, X-LINKED 76. Identifiers: Orphanet 777, MedGen C0796244, MONDO:0010317, OMIM 300419.

Submission:

Labcorp Genetics (formerly Invitae), Labcorp
Classification: Uncertain significance for Developmental and epileptic encephalopathy, 1; Intellectual disability, X-linked, with or without seizures, ARX-related. Last evaluated: 2024-11-03. Review status: criteria provided, single submitter. Criteria: Invitae Variant Classification Sherloc (09022015). Collection method: clinical testing. Allele origin: germline.
Comment: This sequence change replaces glycine, which is neutral and non-polar, with alanine, which is neutral and non-polar, at codon 222 of the ARX protein (p.Gly222Ala). This variant is not present in population databases (gnomAD no frequency). This variant has not been reported in the literature in individuals affected with ARX-related conditions. Invitae Evidence Modeling of protein sequence and biophysical properties (such as structural, functional, and spatial information, amino acid conservation, physicochemical variation, residue mobility, and thermodynamic stability) indicates that this missense variant is not expected to disrupt ARX protein function with a negative predictive value of 95%. In summary, the available evidence is currently insufficient to determine the role of this variant in disease. Therefore, it has been classified as a Variant of Uncertain Significance.